The following is an entry in ClinVar:

ClinVar aggregate classification (germline): Conflicting classifications of pathogenicity. Review status: criteria provided, conflicting classifications (1 of 4 stars). 6 submissions from 6 submitters: Uncertain significance (5); Benign (1). Last evaluated 2025-12-10.

Conditions:
Tuberous sclerosis 2 (TSC2). Identifiers: Orphanet 805, MedGen C1860707, MONDO:0013199, OMIM 613254.
Hereditary cancer-predisposing syndrome. Also called: Neoplastic Syndromes, Hereditary; Tumor predisposition; Hereditary neoplastic syndrome; Hereditary Cancer Syndrome. Identifiers: Orphanet 140162, MedGen C0027672, MeSH D009386, MONDO:0015356.
Tuberous sclerosis syndrome (TSC). Also called: Tuberous sclerosis; Tuberous Sclerosis Complex. Identifiers: Orphanet 805, MedGen C0041341, MONDO:0001734.
TSC2-related disorder. Also called: TSC2-Related Disorders; TSC2-related condition.

Allele frequency attached by ClinVar (database versions not stated): TOPMed 0.00001.
gnomAD v4.1: 5 of 1,610,358 alleles (0.00031%); highest among the groups gnomAD compares: African/African-American, 0.0027%; no homozygotes.

Submissions (6):

Ambry Genetics
Classification: Uncertain significance for Hereditary cancer-predisposing syndrome. Last evaluated: 2025-12-10. Review status: criteria provided, single submitter. Criteria: Ambry Variant Classification Scheme 2023. Collection method: clinical testing. Allele origin: germline.
Comment: The p.R1793G variant (also known as c.5377C>G), located in coding exon 41 of the TSC2 gene, results from a C to G substitution at nucleotide position 5377. The arginine at codon 1793 is replaced by glycine, an amino acid with dissimilar properties. This variant was detected as heterozygous in individuals with no reported features of Tuberous sclerosis complex (Ambry internal data). This amino acid position is highly conserved in available vertebrate species. In addition, this alteration is predicted to be deleterious by in silico analysis. Based on the available evidence, the clinical significance of this variant remains unclear.

Labcorp Genetics (formerly Invitae), Labcorp
Classification: Benign for Tuberous sclerosis 2. Last evaluated: 2025-11-18. Review status: criteria provided, single submitter. Criteria: Invitae Variant Classification Sherloc (09022015). Collection method: clinical testing. Allele origin: germline.

Dasa
Classification: Uncertain significance for Tuberous sclerosis 2. Last evaluated: 2025-01-03. Review status: criteria provided, single submitter. Criteria: DASA Assertion Criteria. Collection method: clinical testing. Allele origin: germline.
Comment: NM_000548.5(TSC2):c.5377C>G (p.Arg1793Gly) is a missense variant that results in the substitution of arginine with glycine. This variant is rare in population databases. Computational prediction algorithms are consistent with a deleterious effect. The currently available literature and clinical evidence are not sufficient to establish a definitive association between this variant and the reported condition. Therefore, this variant is classified as a variant of uncertain significance.

PreventionGenetics, part of Exact Sciences
Classification: Uncertain significance for TSC2-related condition. Last evaluated: 2024-12-19. Review status: criteria provided, single submitter. Criteria: ACMG Guidelines, 2015. Collection method: clinical testing. Allele origin: germline.
Comment: The TSC2 c.5377C>G variant is predicted to result in the amino acid substitution p.Arg1793Gly. To our knowledge, this variant has not been reported in the literature. This variant is reported in 0.01% of alleles in individuals of African descent in gnomAD. It has conflicting interpretations of benign and uncertain significance in ClinVar. At this time, the clinical significance of this variant is uncertain due to the absence of conclusive functional and genetic evidence.

Color Diagnostics, LLC DBA Color Health
Classification: Uncertain significance for Tuberous sclerosis syndrome. Last evaluated: 2023-07-26. Review status: criteria provided, single submitter. Criteria: ACMG Guidelines, 2015. Collection method: clinical testing. Allele origin: germline.
Comment: This missense variant replaces arginine with glycine at codon 1793 of the TSC2 protein. Computational prediction suggests that this variant may have deleterious impact on protein structure and function. To our knowledge, functional studies have not been reported for this variant. This variant has not been reported in individuals affected with TSC2-related disorders in the literature. This variant has been identified in 1/31386 chromosomes in the general population by the Genome Aggregation Database (gnomAD). The available evidence is insufficient to determine the role of this variant in disease conclusively. Therefore, this variant is classified as a Variant of Uncertain Significance.

Genome-Nilou Lab
Classification: Uncertain significance for Tuberous sclerosis 2. Last evaluated: 2021-11-07. Review status: criteria provided, single submitter. Criteria: ACMG Guidelines, 2015. Collection method: clinical testing. Allele origin: germline. Affected: no.

NM_000548.5(TSC2):c.5377C>G (p.Arg1793Gly)

Gene: TSC2 (TSC complex subunit 2; plus strand). Cytogenetic location: 16p13.3.
Variant type: single nucleotide variant.
Coding change: c.5377C>G on transcript NM_000548.5 (MANE Select); coding-DNA position 5377, C replaced by G.
Protein change: p.Arg1793Gly; replaces arginine 1793 with glycine.
Molecular consequence: missense variant.
Genome position (GRCh38, 1-based): chr16:2,088,563, C>G. VCF-style: chr16-2088563-C-G. GRCh37 (hg19) VCF-style: chr16-2138564-C-G.
Other names: c.5377C>G (NM_000548.4); c.5176C>G, p.Arg1726Gly (NM_001077183.3); c.5308C>G, p.Arg1770Gly (NM_001114382.3); c.5068C>G, p.Arg1690Gly (NM_001318827.2); c.5032C>G, p.Arg1678Gly (NM_001318829.2); c.4645C>G, p.Arg1549Gly (NM_001318831.2); c.5209C>G, p.Arg1737Gly (NM_001318832.2); c.5179C>G, p.Arg1727Gly (NM_001363528.2); and 3 more; short protein forms R1549G, R1690G, R1749G, R1750G, R1793G, R1726G, R1727G, R1737G.
Identifiers: ClinVar variation 640503 (VCV000640503.18), dbSNP rs1473538868, ClinGen allele CA394315966.